The following is an entry in ClinVar:

NM_015072.5(TTLL5):c.756A>G (p.Arg252=)

Gene: TTLL5 (tubulin tyrosine ligase like 5; plus strand). Cytogenetic location: 14q24.3.
Variant type: single nucleotide variant.
Coding change: c.756A>G on transcript NM_015072.5 (MANE Select); coding-DNA position 756, A replaced by G.
Protein change: p.Arg252=; no amino-acid change (arginine 252 retained).
Molecular consequence: synonymous variant.
Genome position (GRCh38, 1-based): chr14:75,717,876, A>G. VCF-style: chr14-75717876-A-G. GRCh37 (hg19) VCF-style: chr14-76184219-A-G.
Other names: c.756A>G (NM_015072.4).
Identifiers: ClinVar variation 2723762 (VCV002723762.5), dbSNP rs374729551, ClinGen allele CA7279099.

ClinVar aggregate classification (germline): Likely benign. Review status: criteria provided, multiple submitters, no conflicts (2 of 4 stars). 3 submissions from 3 submitters: Likely benign (3). Last evaluated 2026-08-24.

Conditions:
TTLL5-related disorder. Also called: TTLL5-related condition.

Allele frequency attached by ClinVar (database versions not stated): gnomAD 0.00007; ESP Exome Variant Server 0.00008; TOPMed 0.00009.
gnomAD v4.1: 201 of 1,613,678 alleles (0.012%); highest among the groups gnomAD compares: Non-Finnish European, 0.016%; no homozygotes.

Submissions (3):

PreventionGenetics, part of Exact Sciences
Classification: Likely benign for TTLL5-related condition. Last evaluated: 2026-08-24. Review status: criteria provided, single submitter. Criteria: ACMG Guidelines, 2015. Collection method: clinical testing. Allele origin: germline.
Comment: This variant is classified as likely benign based on ACMG/AMP sequence variant interpretation guidelines (Richards et al. 2015 PMID: 25741868, with internal and published modifications).

Labcorp Genetics (formerly Invitae), Labcorp
Classification: Likely benign. Last evaluated: 2025-11-18. Review status: criteria provided, single submitter. Criteria: Invitae Variant Classification Sherloc (09022015). Collection method: clinical testing. Allele origin: germline.

Blueprint Genetics
Classification: Likely benign. Last evaluated: 2024-09-10. Review status: criteria provided, single submitter. Criteria: ACMG Guidelines, 2015. Collection method: clinical testing. Allele origin: germline.